The following is an entry in ClinVar:

ClinVar aggregate classification (germline): Uncertain significance. Review status: criteria provided, multiple submitters, no conflicts (2 of 4 stars). 3 submissions from 3 submitters: Uncertain significance (3). Last evaluated 2026-01-07.

Conditions:
COL9A1-related disorder. Also called: COL9A1-related condition; COL9A1-related disorders.
Stickler syndrome, type 4 (STL4). Identifiers: Orphanet 250984, Orphanet 828, MedGen C3279941, MONDO:0013590, OMIM 614134.
Epiphyseal dysplasia, multiple, 6. Also called: COL9A1-Related Multiple Epiphyseal Dysplasia. Identifiers: MedGen C2675767, MONDO:0013591, OMIM 614135.

Allele frequency attached by ClinVar (database versions not stated): gnomAD exomes below 0.00001; TOPMed below 0.00001; ExAC 0.00001.
gnomAD v4.1: 6 of 1,611,420 alleles (0.00037%); highest among the groups gnomAD compares: East Asian, 0.0022%; no homozygotes.

Submissions (3):

Labcorp Genetics (formerly Invitae), Labcorp
Classification: Uncertain significance. Last evaluated: 2026-01-07. Review status: criteria provided, single submitter. Criteria: Invitae Variant Classification Sherloc (09022015). Collection method: clinical testing. Allele origin: germline.
Comment: This sequence change replaces valine, which is neutral and non-polar, with leucine, which is neutral and non-polar, at codon 25 of the COL9A1 protein (p.Val25Leu). This variant is present in population databases (rs767995228, gnomAD 0.006%). This variant has not been reported in the literature in individuals affected with COL9A1-related conditions. ClinVar contains an entry for this variant (Variation ID: 1354895). Invitae Evidence Modeling of protein sequence and biophysical properties (such as structural, functional, and spatial information, amino acid conservation, physicochemical variation, residue mobility, and thermodynamic stability) indicates that this missense variant is not expected to disrupt COL9A1 protein function with a negative predictive value of 95%. In summary, the available evidence is currently insufficient to determine the role of this variant in disease. Therefore, it has been classified as a Variant of Uncertain Significance.

PreventionGenetics, part of Exact Sciences
Classification: Uncertain significance for COL9A1-related condition. Last evaluated: 2025-02-15. Review status: criteria provided, single submitter. Criteria: ACMG Guidelines, 2015. Collection method: clinical testing. Allele origin: germline.
Comment: The COL9A1 c.73G>C variant is predicted to result in the amino acid substitution p.Val25Leu. To our knowledge, this variant has not been reported in the literature. This variant is reported in 0.0055% of alleles in individuals of East Asian descent in gnomAD. At this time, the clinical significance of this variant is uncertain due to the absence of conclusive functional and genetic evidence.

Fulgent Genetics
Classification: Uncertain significance for Stickler syndrome, type 4; Epiphyseal dysplasia, multiple, 6. Last evaluated: 2022-02-08. Review status: criteria provided, single submitter. Criteria: ACMG Guidelines, 2015. Collection method: clinical testing. Allele origin: unknown.

NM_001851.6(COL9A1):c.73G>C (p.Val25Leu)

Gene: COL9A1 (collagen type IX alpha 1 chain; minus strand). Cytogenetic location: 6q13.
Variant type: single nucleotide variant.
Coding change: c.73G>C on transcript NM_001851.6 (MANE Select); coding-DNA position 73, G replaced by C.
Protein change: p.Val25Leu; replaces valine 25 with leucine.
Molecular consequence: missense variant.
Genome position (GRCh38, 1-based): chr6:70,302,016, C>G on the plus strand (G>C on the coding strand, the complement: COL9A1 is on the minus strand). VCF-style: chr6-70302016-C-G. GRCh37 (hg19) VCF-style: chr6-71011719-C-G.
Other names: c.73G>C, p.Val25Leu (NM_001377291.1); c.73G>C (NM_001851.4); short protein forms V25L.
Identifiers: ClinVar variation 1354895 (VCV001354895.9), dbSNP rs767995228, ClinGen allele CA3882948.